The following is an entry in ClinVar:

ClinVar aggregate classification (germline): Uncertain significance (1 of 4 stars; one submission).

Conditions:
T-cell immunodeficiency, congenital alopecia, and nail dystrophy. Also called: Congenital alopecia and nail dystrophy associated with severe functional T-cell immunodeficiency; Pignata Guarino syndrome. Identifiers: Orphanet 169095, MedGen C1866426, MONDO:0011132, OMIM 601705.

Submission:

Labcorp Genetics (formerly Invitae), Labcorp
Classification: Uncertain significance for T-cell immunodeficiency, congenital alopecia, and nail dystrophy. Last evaluated: 2022-07-29. Review status: criteria provided, single submitter. Criteria: Invitae Variant Classification Sherloc (09022015). Collection method: clinical testing. Allele origin: germline.
Comment: In summary, the available evidence is currently insufficient to determine the role of this variant in disease. Therefore, it has been classified as a Variant of Uncertain Significance. Algorithms developed to predict the effect of missense changes on protein structure and function (SIFT, PolyPhen-2, Align-GVGD) all suggest that this variant is likely to be disruptive. This variant has not been reported in the literature in individuals affected with FOXN1-related conditions. This variant is not present in population databases (gnomAD no frequency). This sequence change replaces isoleucine, which is neutral and non-polar, with serine, which is neutral and polar, at codon 297 of the FOXN1 protein (p.Ile297Ser).

NM_001369369.1(FOXN1):c.890T>G (p.Ile297Ser)

Gene: FOXN1 (forkhead box N1; plus strand). Cytogenetic location: 17q11.2.
Variant type: single nucleotide variant.
Coding change: c.890T>G on transcript NM_001369369.1 (MANE Select); coding-DNA position 890, T replaced by G.
Protein change: p.Ile297Ser; replaces isoleucine 297 with serine.
Molecular consequence: missense variant.
Genome position (GRCh38, 1-based): chr17:28,530,808, T>G. VCF-style: chr17-28530808-T-G. GRCh37 (hg19) VCF-style: chr17-26857826-T-G.
Other names: c.890T>G, p.Ile297Ser (NM_003593.3); short protein forms I297S.
Identifiers: ClinVar variation 1714280 (VCV001714280.6), dbSNP rs140230257, ClinGen allele CA398323754.